The following is an entry in ClinVar:

NM_003238.6(TGFB2):c.375C>G (p.Pro125=)

Gene: TGFB2 (transforming growth factor beta 2; plus strand). Cytogenetic location: 1q41.
Variant type: single nucleotide variant.
Coding change: c.375C>G on transcript NM_003238.6 (MANE Select); coding-DNA position 375, C replaced by G.
Protein change: p.Pro125=; no amino-acid change (proline 125 retained).
Molecular consequence: synonymous variant. On other transcripts: non-coding transcript variant (2).
Genome position (GRCh38, 1-based): chr1:218,405,197, C>G. VCF-style: chr1-218405197-C-G. GRCh37 (hg19) VCF-style: chr1-218578539-C-G.
Other names: c.459C>G, p.Pro153= (NM_001135599.4).
Identifiers: ClinVar variation 1678842 (VCV001678842.2), dbSNP rs1658868131, ClinGen allele CA423177214.

ClinVar aggregate classification (germline): Likely benign (1 of 4 stars; one submission).

gnomAD v4.1: 1 of 1,606,934 alleles (0.000062%); highest among the groups gnomAD compares: Non-Finnish European, 0.000085%; no homozygotes.

Submission:

GeneDx
Classification: Likely benign. Last evaluated: 2021-02-12. Review status: criteria provided, single submitter. Criteria: GeneDx Variant Classification Process June 2021. Collection method: clinical testing. Allele origin: germline. Affected: yes.
Comment: See Variant Classification Assertion Criteria.